The following is an entry in ClinVar:

NM_017654.4(SAMD9):c.3257A>C (p.Gln1086Pro)

Gene: SAMD9 (sterile alpha motif domain containing 9; minus strand). Cytogenetic location: 7q21.2.
Variant type: single nucleotide variant.
Coding change: c.3257A>C on transcript NM_017654.4 (MANE Select); coding-DNA position 3257, A replaced by C.
Protein change: p.Gln1086Pro; replaces glutamine 1086 with proline.
Molecular consequence: missense variant.
Genome position (GRCh38, 1-based): chr7:93,102,841, T>G on the plus strand (A>C on the coding strand, the complement: SAMD9 is on the minus strand). VCF-style: chr7-93102841-T-G. GRCh37 (hg19) VCF-style: chr7-92732154-T-G.
Other names: c.3257A>C, p.Gln1086Pro (NM_001193307.2); short protein forms Q1086P.
Identifiers: ClinVar variation 1027194 (VCV001027194.12), dbSNP rs772420263, ClinGen allele CA4342722.

ClinVar aggregate classification (germline): Uncertain significance. Review status: criteria provided, multiple submitters, no conflicts (2 of 4 stars). 3 submissions from 3 submitters: Uncertain significance (3). Last evaluated 2025-11-23.

Allele frequency attached by ClinVar (database versions not stated): gnomAD exomes 0.00002 and 0.00007; gnomAD 0.00003 and 0.00004; TOPMed 0.00003; ExAC 0.00007.
gnomAD v4.1: 34 of 1,613,760 alleles (0.0021%); highest among the groups gnomAD compares: Non-Finnish European, 0.00093%; no homozygotes.

Submissions (3):

Labcorp Genetics (formerly Invitae), Labcorp
Classification: Uncertain significance. Last evaluated: 2025-11-23. Review status: criteria provided, single submitter. Criteria: Invitae Variant Classification Sherloc (09022015). Collection method: clinical testing. Allele origin: germline.
Comment: This sequence change replaces glutamine, which is neutral and polar, with proline, which is neutral and non-polar, at codon 1086 of the SAMD9 protein (p.Gln1086Pro). This variant is present in population databases (rs772420263, gnomAD 0.1%). This variant has not been reported in the literature in individuals affected with SAMD9-related conditions. ClinVar contains an entry for this variant (Variation ID: 1027194). Invitae Evidence Modeling of protein sequence and biophysical properties (such as structural, functional, and spatial information, amino acid conservation, physicochemical variation, residue mobility, and thermodynamic stability) has been performed for this missense variant. However, the output from this modeling did not meet the statistical confidence thresholds required to predict the impact of this variant on SAMD9 protein function. In summary, the available evidence is currently insufficient to determine the role of this variant in disease. Therefore, it has been classified as a Variant of Uncertain Significance.

GeneDx
Classification: Uncertain significance. Last evaluated: 2023-07-11. Review status: criteria provided, single submitter. Criteria: GeneDx Variant Classification Process June 2021. Collection method: clinical testing. Allele origin: germline. Affected: yes.
Comment: In silico analysis supports that this missense variant has a deleterious effect on protein structure/function; Has not been previously published as pathogenic or benign to our knowledge; This variant is associated with the following publications: (PMID: 28545555)

Genetic Services Laboratory, University of Chicago
Classification: Uncertain significance. Last evaluated: 2018-06-01. Review status: criteria provided, single submitter. Criteria: ACMG Guidelines, 2015. Collection method: clinical testing. Allele origin: germline. Affected: no.